The following is an entry in ClinVar:

ClinVar aggregate classification (germline): Conflicting classifications of pathogenicity. Review status: criteria provided, conflicting classifications (1 of 4 stars). 7 submissions from 7 submitters: Uncertain significance (3); Likely benign (1). 3 of the submissions do not count toward it. Last evaluated 2023-11-20.

Conditions:
MSH6-related disorder. Also called: MSH6-Related disorders; MSH6-related condition.
Hereditary cancer-predisposing syndrome. Also called: Tumor predisposition; Hereditary neoplastic syndrome; Neoplastic Syndromes, Hereditary; Hereditary Cancer Syndrome. Identifiers: Orphanet 140162, MedGen C0027672, MeSH D009386, MONDO:0015356.
Lynch syndrome 5 (LYNCH5). Also called: Colorectal cancer, hereditary nonpolyposis, type 5; Hereditary non-polyposis colorectal cancer, type 5. Identifiers: Orphanet 144, MedGen C1833477, MONDO:0013710, OMIM 614350. Disease mechanism: loss of function.
Malignant tumor of breast. Also called: Malignant breast neoplasm; Cancer breast. Identifiers: MedGen C0006142, MONDO:0007254. Disease mechanism: loss of function.

Allele frequency attached by ClinVar (database versions not stated): ExAC 0.00001; gnomAD exomes 0.00001; gnomAD 0.00003; TOPMed 0.00003.
gnomAD v4.1: 3 of 1,611,184 alleles (0.00019%); highest among the groups gnomAD compares: East Asian, 0.0067%; no homozygotes.

Submissions (7):

GeneDx
Classification: Uncertain significance. Last evaluated: 2023-11-20. Review status: criteria provided, single submitter. Criteria: GeneDx Variant Classification Process June 2021. Collection method: clinical testing. Allele origin: germline. Affected: yes.
Comment: Alters the Kozak sequence, the nucleotides just upstream of the ATG start codon, which play a major role in the initiation of translation; Nucleotide substitution has no predicted effect on splicing and is not conserved across species; Not observed at significant frequency in large population cohorts (gnomAD); Identified in an individual with prostate cancer (PMID: 35534218); This variant is associated with the following publications: (PMID: 26888055, 35534218)

Myriad Genetics, Inc.
Classification: Uncertain significance for Lynch syndrome 5. Last evaluated: 2023-04-21. Review status: criteria provided, single submitter. Criteria: Myriad Autosomal Dominant, Autosomal Recessive and X-Linked Classification Criteria (2023). Collection method: clinical testing. Allele origin: unknown.
Comment: This variant is classified as a variant of uncertain significance as there is insufficient evidence to determine its impact on protein function and/or cancer risk.

Women's Health and Genetics/Laboratory Corporation of America, LabCorp
Classification: Uncertain significance. Last evaluated: 2022-12-12. Review status: criteria provided, single submitter. Criteria: LabCorp Variant Classification Summary - May 2015. Collection method: clinical testing. Allele origin: germline.
Comment: Variant summary: MSH6 c.-6G>C is located in the untranslated mRNA region upstream of the initiation codon. The variant allele was found at a frequency of 1.2e-05 in 244056 control chromosomes, predominantly at a frequency of 0.00017 within the East Asian subpopulation in the gnomAD database. The available data on variant occurrences in the general population are insufficient to allow any conclusion about variant significance. c.-6G>C has been reported in the literature in an individual affected with prostate cancer (So_2022) without strong evidence for causality. This report does not provide unequivocal conclusions about association of the variant with Lynch Syndrome. To our knowledge, no experimental evidence demonstrating an impact on protein function has been reported. Three clinical diagnostic laboratories have submitted clinical-significance assessments for this variant to ClinVar after 2014 and classified it as VUS (n=2) and as Likely Benign (n=1). Based on the evidence outlined above, the variant was classified as uncertain significance.

Color Diagnostics, LLC DBA Color Health
Classification: Likely benign for Hereditary cancer-predisposing syndrome. Last evaluated: 2017-01-09. Review status: criteria provided, single submitter. Criteria: ACMG Guidelines, 2015. Collection method: clinical testing. Allele origin: germline.

PreventionGenetics, part of Exact Sciences
Classification: Likely benign for MSH6-related condition. Last evaluated: 2021-03-11. Review status: no assertion criteria provided. Collection method: clinical testing. Allele origin: germline. Not counted in ClinVar's aggregate classification.
Comment: This variant is classified as likely benign based on ACMG/AMP sequence variant interpretation guidelines (Richards et al. 2015 PMID: 25741868, with internal and published modifications).

Counsyl
Classification: Uncertain significance for Lynch syndrome 5. Last evaluated: 2016-08-10. Review status: no assertion criteria provided. Collection method: clinical testing. Allele origin: unknown. Not counted in ClinVar's aggregate classification.

Department of Pathology and Laboratory Medicine, Sinai Health System
Classification: Uncertain significance for Malignant tumor of breast. Review status: no assertion criteria provided. Collection method: clinical testing. Allele origin: unknown. Affected: yes. Study: The Canadian Open Genetics Repository (COGR). Not counted in ClinVar's aggregate classification.
Comment: The MSH6 c.-6G>C variant was not identified in the literature nor was it identified in the UMD-LSDB database. The variant was identified in dbSNP (rs730881822) as â€šÃ„Ãºwith likely benign, uncertain significance alleleâ€šÃ„Ã¹ and ClinVar (classified as likely benign by Color and as uncertain significance by Counsyl). The variant was identified in control databases in 4 of 275,382 chromosomes at a frequency of 0.00002 (Genome Aggregation Database Feb 27, 2017). The variant was observed in the East Asian population in 4 of 19,390 chromosomes (freq: 0.0002), but not observed in the African, Latino, Ashkenazi Jewish, Finnish, European, Other, or South Asian populations. The variant lies 6 base pairs upstream of the ATG start site and is part of the Kozak consensus sequence, which is important for translation initiation. Although a Guanine nucleotide is generally present at the -6 position, it is known to vary at this position. The variant occurs at a non-highly conserved nucleotide outside of the splicing consensus sequence and in silico or computational prediction software programs (SpliceSiteFinder, MaxEntScan, NNSPLICE, GeneSplicer) do not predict a difference in splicing. In summary, based on the above information, the clinical significance of this variant cannot be determined with certainty at this time. This variant is classified as a variant of uncertain significance.

Literature cited by the submitters: PubMed 35534218 (cited by Women's Health and Genetics/Laboratory Corporation of America, LabCorp).

NM_000179.3(MSH6):c.-6G>C

Gene: MSH6 (mutS homolog 6; plus strand). Cytogenetic location: 2p16.3.
Variant type: single nucleotide variant.
Coding change: c.-6G>C on transcript NM_000179.3 (MANE Select); 6 bases upstream of the start codon, G replaced by C.
Molecular consequence: 5 prime UTR variant.
Genome position (GRCh38, 1-based): chr2:47,783,228, G>C. VCF-style: chr2-47783228-G-C. GRCh37 (hg19) VCF-style: chr2-48010367-G-C.
Other names: c.-6G>C (NM_001281492.2); c.-742G>C (NM_001281493.2).
Identifiers: ClinVar variation 371918 (VCV000371918.14), dbSNP rs730881822, ClinGen allele CA073358.